The following is an entry in ClinVar:

ClinVar aggregate classification (germline): Conflicting classifications of pathogenicity. Review status: criteria provided, conflicting classifications (1 of 4 stars). 3 submissions from 3 submitters: Uncertain significance (1); Likely benign (2). Last evaluated 2024-12-11.

Conditions:
Hereditary breast ovarian cancer syndrome. Also called: Hereditary breast and ovarian cancer syndrome; Hereditary breast and ovarian cancer; Hereditary breast and ovarian cancer syndrome (HBOC); Breast and ovarian cancer; Hereditary breast and/or ovarian cancer syndrome; BRCA1- and BRCA2-Associated Hereditary Breast and Ovarian Cancer. Identifiers: Orphanet 145, MedGen C0677776, MeSH D061325, MONDO:0003582. Disease mechanism: loss of function.
Hereditary cancer-predisposing syndrome. Also called: Neoplastic Syndromes, Hereditary; Tumor predisposition; Hereditary Cancer Syndrome; Hereditary neoplastic syndrome. Identifiers: Orphanet 140162, MedGen C0027672, MeSH D009386, MONDO:0015356.

Submissions (3):

Labcorp Genetics (formerly Invitae), Labcorp
Classification: Uncertain significance for Hereditary breast ovarian cancer syndrome. Last evaluated: 2024-12-11. Review status: criteria provided, single submitter. Criteria: Invitae Variant Classification Sherloc (09022015). Collection method: clinical testing. Allele origin: germline.
Comment: This sequence change replaces arginine, which is basic and polar, with glycine, which is neutral and non-polar, at codon 841 of the BRCA2 protein (p.Arg841Gly). This variant is not present in population databases (gnomAD no frequency). This variant has not been reported in the literature in individuals affected with BRCA2-related conditions. ClinVar contains an entry for this variant (Variation ID: 483131). Invitae Evidence Modeling of protein sequence and biophysical properties (such as structural, functional, and spatial information, amino acid conservation, physicochemical variation, residue mobility, and thermodynamic stability) indicates that this missense variant is not expected to disrupt BRCA2 protein function with a negative predictive value of 95%. In summary, the available evidence is currently insufficient to determine the role of this variant in disease. Therefore, it has been classified as a Variant of Uncertain Significance.

Ambry Genetics
Classification: Likely benign for Hereditary cancer-predisposing syndrome. Last evaluated: 2024-03-27. Review status: criteria provided, single submitter. Criteria: Ambry Variant Classification Scheme 2023. Collection method: clinical testing. Allele origin: germline.

University of Washington Department of Laboratory Medicine, University of Washington
Classification: Likely benign for Hereditary cancer-predisposing syndrome. Last evaluated: 2023-03-23. Review status: criteria provided, single submitter. Criteria: Dines et al. (Genet Med. 2020). Collection method: curation. Allele origin: germline.
Comment: Missense variant in a coldspot region where missense variants are very unlikely to be pathogenic (PMID:31911673).

BRCA2 exon 11 coldspot. Reclassification based on statistical prior probability.

NM_000059.4(BRCA2):c.2521A>G (p.Arg841Gly)

Gene: BRCA2 (BRCA2 DNA repair associated; plus strand). Cytogenetic location: 13q13.1.
Variant type: single nucleotide variant.
Coding change: c.2521A>G on transcript NM_000059.4 (MANE Select); coding-DNA position 2521, A replaced by G.
Protein change: p.Arg841Gly; replaces arginine 841 with glycine.
Molecular consequence: missense variant.
Genome position (GRCh38, 1-based): chr13:32,336,876, A>G. VCF-style: chr13-32336876-A-G. GRCh37 (hg19) VCF-style: chr13-32911013-A-G.
Other names: short protein forms R841G.
Identifiers: ClinVar variation 483131 (VCV000483131.10), dbSNP rs1555282722, ClinGen allele CA387772468.